The following is an entry in ClinVar:

NM_001105206.3(LAMA4):c.109G>A (p.Glu37Lys)

Genes: LAMA4 (laminin subunit alpha 4; minus strand), LAMA4-AS1 (LAMA4 antisense RNA 1; plus strand). Cytogenetic location: 6q21.
Variant type: single nucleotide variant.
Coding change: c.109G>A on transcript NM_001105206.3 (MANE Select); coding-DNA position 109, G replaced by A.
Protein change: p.Glu37Lys; replaces glutamic acid 37 with lysine.
Molecular consequence: missense variant.
Genome position (GRCh38, 1-based): chr6:112,254,042, C>T on the plus strand (G>A on the coding strand, the complement: LAMA4 is on the minus strand). VCF-style: chr6-112254042-C-T. GRCh37 (hg19) VCF-style: chr6-112575244-C-T.
Other names: c.109G>A, p.Glu37Lys (NM_001105207.3, NM_001105208.3, NM_001105209.3 and 1 more transcripts); short protein forms E37K.
Identifiers: ClinVar variation 4045932 (VCV004045932.1).

ClinVar aggregate classification (germline): Uncertain significance (1 of 4 stars; one submission).

Conditions:
Cardiovascular phenotype. Identifiers: MedGen CN230736.

gnomAD v4.1: 4 of 1,600,586 alleles (0.00025%); highest among the groups gnomAD compares: Non-Finnish European, 0.00026%; no homozygotes.

Submission:

Ambry Genetics
Classification: Uncertain significance for Cardiovascular phenotype. Last evaluated: 2025-03-23. Review status: criteria provided, single submitter. Criteria: Ambry Variant Classification Scheme 2023. Collection method: clinical testing. Allele origin: germline.
Comment: The p.E37K variant (also known as c.109G>A), located in coding exon 1 of the LAMA4 gene, results from a G to A substitution at nucleotide position 109. The glutamic acid at codon 37 is replaced by lysine, an amino acid with similar properties. This amino acid position is conserved. In addition, the in silico prediction for this alteration is inconclusive. Based on the available evidence, the clinical significance of this variant remains unclear.